The following is an entry in ClinVar:

ClinVar aggregate classification (germline): Conflicting classifications of pathogenicity. Review status: criteria provided, conflicting classifications (1 of 4 stars). 4 submissions from 4 submitters: Uncertain significance (3); Benign (1). Last evaluated 2026-01-05.

Conditions:
Hereditary cancer-predisposing syndrome. Also called: Tumor predisposition; Hereditary Cancer Syndrome; Neoplastic Syndromes, Hereditary; Hereditary neoplastic syndrome. Identifiers: Orphanet 140162, MedGen C0027672, MeSH D009386, MONDO:0015356.
Cardiovascular phenotype. Identifiers: MedGen CN230736.
Neurofibromatosis, type 1 (NF1). Also called: NEUROFIBROMATOSIS, TYPE I, SOMATIC; Peripheral type neurofibromatosis; Neurofibromatosis, type I; VON RECKLINGHAUSEN DISEASE. Identifiers: Orphanet 636, MedGen C0027831, MONDO:0018975, OMIM 162200. Disease mechanism: loss of function.

Allele frequency attached by ClinVar (database versions not stated): gnomAD 0.00001 and below 0.00001; gnomAD exomes 0.00001; ExAC 0.00002.
gnomAD v4.1: 15 of 1,612,444 alleles (0.00093%); highest among the groups gnomAD compares: East Asian, 0.0022%; no homozygotes.

Submissions (4):

Labcorp Genetics (formerly Invitae), Labcorp
Classification: Benign for Neurofibromatosis, type 1. Last evaluated: 2026-01-05. Review status: criteria provided, single submitter. Criteria: Invitae Variant Classification Sherloc (09022015). Collection method: clinical testing. Allele origin: germline.

Ambry Genetics
Classification: Uncertain significance for Cardiovascular phenotype; Hereditary cancer-predisposing syndrome. Last evaluated: 2024-09-01. Review status: criteria provided, single submitter. Criteria: Ambry Variant Classification Scheme 2023. Collection method: clinical testing. Allele origin: germline.
Comment: The p.G875S variant (also known as c.2623G>A), located in coding exon 21 of the NF1 gene, results from a G to A substitution at nucleotide position 2623. The glycine at codon 875 is replaced by serine, an amino acid with similar properties. This amino acid position is well conserved in available vertebrate species. In addition, the in silico prediction for this alteration is inconclusive. Since supporting evidence is limited at this time, the clinical significance of this alteration remains unclear.

Genome-Nilou Lab
Classification: Uncertain significance for Neurofibromatosis, type 1. Last evaluated: 2022-03-15. Review status: criteria provided, single submitter. Criteria: ACMG Guidelines, 2015. Collection method: clinical testing. Allele origin: germline. Affected: no.

Blueprint Genetics
Classification: Uncertain significance. Last evaluated: 2021-01-13. Review status: criteria provided, single submitter. Criteria: ACMG Guidelines, 2015. Collection method: clinical testing. Allele origin: germline.

NM_001042492.3(NF1):c.2623G>A (p.Gly875Ser)

Gene: NF1 (neurofibromin 1; plus strand). Cytogenetic location: 17q11.2.
Variant type: single nucleotide variant.
Coding change: c.2623G>A on transcript NM_001042492.3 (MANE Select); coding-DNA position 2623, G replaced by A.
Protein change: p.Gly875Ser; replaces glycine 875 with serine.
Molecular consequence: missense variant.
Genome position (GRCh38, 1-based): chr17:31,229,238, G>A. VCF-style: chr17-31229238-G-A. GRCh37 (hg19) VCF-style: chr17-29556256-G-A.
Other names: c.2623G>A, p.Gly875Ser (NM_000267.4); short protein forms G875S.
Identifiers: ClinVar variation 484145 (VCV000484145.14), dbSNP rs754734571, ClinGen allele CA8486006.